The following is an entry in ClinVar:

NM_198129.4(LAMA3):c.1973T>G (p.Val658Gly)

Gene: LAMA3 (laminin subunit alpha 3; plus strand). Cytogenetic location: 18q11.2.
Variant type: single nucleotide variant.
Coding change: c.1973T>G on transcript NM_198129.4 (MANE Select); coding-DNA position 1973, T replaced by G.
Protein change: p.Val658Gly; replaces valine 658 with glycine.
Molecular consequence: missense variant.
Genome position (GRCh38, 1-based): chr18:23,815,499, T>G. VCF-style: chr18-23815499-T-G. GRCh37 (hg19) VCF-style: chr18-21395463-T-G.
Other names: c.1973T>G, p.Val658Gly (NM_001127717.4); short protein forms V658G.
Identifiers: ClinVar variation 489382 (VCV000489382.5), dbSNP rs200427986, ClinGen allele CA8914811.

ClinVar aggregate classification (germline): Uncertain significance. Review status: criteria provided, multiple submitters, no conflicts (2 of 4 stars). 2 submissions from 2 submitters: Uncertain significance (2). Last evaluated 2024-06-16.

Conditions:
Inborn genetic diseases. Identifiers: MedGen C0950123, MeSH D030342.

Allele frequency attached by ClinVar (database versions not stated): gnomAD exomes 0.00004 and 0.00014; gnomAD 0.00043 and 0.00038; 1000 Genomes Project 30x 0.00031; ESP Exome Variant Server 0.00032; 1000 Genomes Project 0.00040; ExAC 0.00017; TOPMed 0.00048.
gnomAD v4.1: 134 of 1,614,184 alleles (0.0083%); highest among the groups gnomAD compares: African/African-American, 0.12%; no homozygotes.

Submissions (2):

Ambry Genetics
Classification: Uncertain significance for Inborn genetic diseases. Last evaluated: 2024-06-16. Review status: criteria provided, single submitter. Criteria: Ambry Variant Classification Scheme 2023. Collection method: clinical testing. Allele origin: germline.

GeneDx
Classification: Uncertain significance. Last evaluated: 2018-01-29. Review status: criteria provided, single submitter. Criteria: GeneDx Variant Classification (06012015). Collection method: clinical testing. Allele origin: germline. Affected: yes.
Comment: The V658G variant in the LAMA3 gene has not been reported previously as a pathogenic variant, nor as a benign variant, to our knowledge. The V658G variant is observed in 34/24,016 (0.14%) alleles from individuals of African background in large population cohorts (Lek et al., 2016). The V658G variant is a conservative amino acid substitution, which is not likely to impact secondary protein structure as these residues share similar properties. However, in-silico analyses, including protein predictors and evolutionary conservation, support a deleterious effect. We interpret V658G as a variant of uncertain significance.